The following is an entry in ClinVar:

ClinVar aggregate classification (germline): Uncertain significance. Review status: criteria provided, single submitter (1 of 4 stars). 2 submissions from 2 submitters: Uncertain significance (1). 1 of the submissions does not count toward it. Last evaluated 2019-05-31.

Conditions:
Familial long QT syndrome (RWS). Also called: Congenital long QT syndrome; Romano-Ward syndrome; VENTRICULAR FIBRILLATION WITH PROLONGED QT INTERVAL. Identifiers: Orphanet 768, MedGen C1141890, MONDO:0019171.
Long QT syndrome (LQTS). Identifiers: MedGen C0023976, MeSH D008133, MONDO:0002442. Disease mechanism: loss of function. Inheritance: Various modes of inheritance.

Submissions (2):

Labcorp Genetics (formerly Invitae), Labcorp
Classification: Uncertain significance for Long QT syndrome. Last evaluated: 2019-05-31. Review status: criteria provided, single submitter. Criteria: Invitae Variant Classification Sherloc (09022015). Collection method: clinical testing. Allele origin: germline.
Comment: This sequence change replaces serine with phenylalanine at codon 649 of the KCNH2 protein (p.Ser649Phe). The serine residue is moderately conserved and there is a large physicochemical difference between serine and phenylalanine. This variant is not present in population databases (ExAC no frequency). This variant has been observed in an individual with clinical features of long QT syndrome (Invitae). ClinVar contains an entry for this variant (Variation ID: 67346). Algorithms developed to predict the effect of missense changes on protein structure and function are either unavailable or do not agree on the potential impact of this missense change (SIFT: "Deleterious"; PolyPhen-2: "Probably Damaging"; Align-GVGD: "Class C15"). In summary, the available evidence is currently insufficient to determine the role of this variant in disease. Therefore, it has been classified as a Variant of Uncertain Significance.

Cardiovascular Biomedical Research Unit, Royal Brompton & Harefield NHS Foundation Trust
No classification provided. Condition: Familial long QT syndrome. Review status: no classification provided. Collection method: literature only. Allele origin: germline. Not counted in ClinVar's aggregate classification.
Comment: This variant has been reported as associated with Long QT syndrome in the following publications (PMID:12566525). This is a literature report, and does not necessarily reflect the clinical interpretation of the Imperial College / Royal Brompton Cardiovascular Genetics laboratory.

Literature cited by the submitters: PubMed 12566525 (cited by Cardiovascular Biomedical Research Unit, Royal Brompton & Harefield NHS Foundation Trust); PubMed 22581653 (cited by Cardiovascular Biomedical Research Unit, Royal Brompton & Harefield NHS Foundation Trust).

NM_000238.4(KCNH2):c.1946C>T (p.Ser649Phe)

Gene: KCNH2 (potassium voltage-gated channel subfamily H member 2; minus strand). Cytogenetic location: 7q36.1.
Variant type: single nucleotide variant.
Coding change: c.1946C>T on transcript NM_000238.4 (MANE Select); coding-DNA position 1946, C replaced by T.
Protein change: p.Ser649Phe; replaces serine 649 with phenylalanine.
Molecular consequence: missense variant.
Genome position (GRCh38, 1-based): chr7:150,951,120, G>A on the plus strand (C>T on the coding strand, the complement: KCNH2 is on the minus strand). VCF-style: chr7-150951120-G-A. GRCh37 (hg19) VCF-style: chr7-150648208-G-A.
Other names: c.1946C>T (LRG_288t1); c.926C>T, p.Ser309Phe (NM_001204798.2, NM_172057.3); c.1658C>T, p.Ser553Phe (NM_001406753.1, NM_001406756.1); c.1769C>T, p.Ser590Phe (NM_001406755.1); c.1646C>T, p.Ser549Phe (NM_001406757.1); c.1946C>T, p.Ser649Phe (NM_172056.3); short protein forms S309F, S649F, S590F, S553F, S549F.
Identifiers: ClinVar variation 67346 (VCV000067346.4), dbSNP rs199472976, ClinGen allele CA006086.
Genomic context (GRCh38, chr7:150,951,120, plus strand): 5'-CCCGAGTACAGCCGCTGGATGATGGCCGACACGTTGCCGAAGATGCTAGCATACATGAGG[G>A]CTGGGGGCGTGGGCACGTGGGGCCGTCAGCCTCTGCAGGGACCCCACCCACCCACAGGGA-3'
Protein context (NP_000229.1, residues 639-659): IFSICVMLIG[Ser649Phe]LMYASIFGNV